The following is an entry in ClinVar:

NM_000492.4(CFTR):c.4151T>C (p.Ile1384Thr)

Gene: CFTR (CF transmembrane conductance regulator; plus strand). Cytogenetic location: 7q31.2.
Variant type: single nucleotide variant.
Coding change: c.4151T>C on transcript NM_000492.4 (MANE Select); coding-DNA position 4151, T replaced by C.
Protein change: p.Ile1384Thr; replaces isoleucine 1384 with threonine.
Molecular consequence: missense variant.
Genome position (GRCh38, 1-based): chr7:117,665,473, T>C. VCF-style: chr7-117665473-T-C. GRCh37 (hg19) VCF-style: chr7-117305527-T-C.
Other names: short protein forms I1384T.
Identifiers: ClinVar variation 824631 (VCV000824631.4), dbSNP rs1584849296, ClinGen allele CA368983378.

ClinVar aggregate classification (germline): Uncertain significance (1 of 4 stars; one submission).

Conditions:
Cystic fibrosis (CF). Also called: MUCOVISCIDOSIS. Identifiers: Orphanet 586, MedGen C0010674, MONDO:0009061, OMIM 219700. Disease mechanism: loss of function.

Submission:

Ambry Genetics
Classification: Uncertain significance for Cystic fibrosis. Last evaluated: 2019-11-10. Review status: criteria provided, single submitter. Criteria: Ambry Variant Classification Scheme 2023. Collection method: clinical testing. Allele origin: germline.
Comment: The p.I1384T variant (also known as c.4151T>C), located in coding exon 26 of the CFTR gene, results from a T to C substitution at nucleotide position 4151. The isoleucine at codon 1384 is replaced by threonine, an amino acid with similar properties. This amino acid position is well conserved in available vertebrate species. In addition, this alteration is predicted to be deleterious by in silico analysis. Since supporting evidence is limited at this time, the clinical significance of this alteration remains unclear.